The following is an entry in ClinVar:

NM_024675.4(PALB2):c.3455C>T (p.Pro1152Leu)

Gene: PALB2 (partner and localizer of BRCA2; minus strand). Cytogenetic location: 16p12.2.
Variant type: single nucleotide variant.
Coding change: c.3455C>T on transcript NM_024675.4 (MANE Select); coding-DNA position 3455, C replaced by T.
Protein change: p.Pro1152Leu; replaces proline 1152 with leucine.
Molecular consequence: missense variant.
Genome position (GRCh38, 1-based): chr16:23,603,565, G>A on the plus strand (C>T on the coding strand, the complement: PALB2 is on the minus strand). VCF-style: chr16-23603565-G-A. GRCh37 (hg19) VCF-style: chr16-23614886-G-A.
Other names: short protein forms P1152L.
Identifiers: ClinVar variation 484202 (VCV000484202.5), dbSNP rs1555457860, ClinGen allele CA395138082.
Genomic context (GRCh38, chr16:23,603,565, plus strand): 5'-AGCAAATGAGAGTCTGTACCCGACCATTTCACAAAAGACCAATGTTGGTCAGAGACAGGT[G>A]GGAGGAGGGCAGTACACTGACCGAGAAGTAAGTCCCAAATGGCAATTGTTCCAGAAGTCA-3'
Protein context (NP_078951.2, residues 1142-1162): LLLGQCTALL[Pro1152Leu]PVSDQHWSFV

ClinVar aggregate classification (germline): Uncertain significance (1 of 4 stars; one submission).

Conditions:
Hereditary cancer-predisposing syndrome. Also called: Neoplastic Syndromes, Hereditary; Tumor predisposition; Hereditary Cancer Syndrome; Hereditary neoplastic syndrome. Identifiers: Orphanet 140162, MedGen C0027672, MeSH D009386, MONDO:0015356.

Allele frequency attached by ClinVar (database versions not stated): gnomAD exomes below 0.00001.
gnomAD v4.1: 1 of 1,614,090 alleles (0.000062%); highest among the groups gnomAD compares: Non-Finnish European, 0.000085%; no homozygotes.

Submission:

Ambry Genetics
Classification: Uncertain significance for Hereditary cancer-predisposing syndrome. Last evaluated: 2016-11-11. Review status: criteria provided, single submitter. Criteria: Ambry Variant Classification Scheme 2023. Collection method: clinical testing. Allele origin: germline.
Comment: The p.P1152L variant (also known as c.3455C>T), located in coding exon 13 of the PALB2 gene, results from a C to T substitution at nucleotide position 3455. The proline at codon 1152 is replaced by leucine, an amino acid with similar properties. This variant was not reported in population based cohorts in the following databases: Database of Single Nucleotide Polymorphisms (dbSNP), NHLBI Exome Sequencing Project (ESP), and 1000 Genomes Project. In the ESP, this variant was not observed in 6497 samples (12994 alleles) with coverage at this position. To date, this alteration has been detected with an allele frequency of approximately 0.0004% (greater than 225000 alleles tested) in our clinical cohort. This amino acid position is well conserved in available vertebrate species. In addition, this alteration is predicted to be tolerated by in silico analysis. Since supporting evidence is limited at this time, the clinical significance of this alteration remains unclear.